The following is an entry in ClinVar:

ClinVar aggregate classification (germline): Uncertain significance (1 of 4 stars; one submission).

Submission:

Labcorp Genetics (formerly Invitae), Labcorp
Classification: Uncertain significance. Last evaluated: 2022-04-15. Review status: criteria provided, single submitter. Criteria: Invitae Variant Classification Sherloc (09022015). Collection method: clinical testing. Allele origin: germline.
Comment: In summary, the available evidence is currently insufficient to determine the role of this variant in disease. Therefore, it has been classified as a Variant of Uncertain Significance. Algorithms developed to predict the effect of missense changes on protein structure and function (SIFT, PolyPhen-2, Align-GVGD) all suggest that this variant is likely to be tolerated. This variant has not been reported in the literature in individuals affected with ACVR1-related conditions. This variant is not present in population databases (gnomAD no frequency). This sequence change replaces alanine, which is neutral and non-polar, with valine, which is neutral and non-polar, at codon 105 of the ACVR1 protein (p.Ala105Val).

NM_001111067.4(ACVR1):c.314C>T (p.Ala105Val)

Gene: ACVR1 (activin A receptor type 1; minus strand). Cytogenetic location: 2q24.1.
Variant type: single nucleotide variant.
Coding change: c.314C>T on transcript NM_001111067.4 (MANE Select); coding-DNA position 314, C replaced by T.
Protein change: p.Ala105Val; replaces alanine 105 with valine.
Molecular consequence: missense variant.
Genome position (GRCh38, 1-based): chr2:157,780,354, G>A on the plus strand (C>T on the coding strand, the complement: ACVR1 is on the minus strand). VCF-style: chr2-157780354-G-A. GRCh37 (hg19) VCF-style: chr2-158636866-G-A.
Other names: c.314C>T, p.Ala105Val (NM_001105.5, NM_001347663.1, NM_001347664.1 and 3 more transcripts); short protein forms A105V.
Identifiers: ClinVar variation 2126003 (VCV002126003.4), dbSNP rs2467966792, ClinGen allele CA349193319.
Genomic context (GRCh38, chr2:157,780,354, plus strand): 5'-TAACAAAACCCCTTGATCTAGAAATAGAAAAGTCCATGGGAACCTTTAGTGGGCAGCTGG[G>A]CCGTGATGTTCCTGTTACACCAGTCCCCTTGGCAGCACTCCACGGCTTGGCCAGGGGACG-3'
Protein context (NP_001104537.1, residues 95-115): QGDWCNRNIT[Ala105Val]QLPTKGKSFP